The following is an entry in ClinVar:

ClinVar aggregate classification (germline): Benign. Review status: criteria provided, multiple submitters, no conflicts (2 of 4 stars). 2 submissions from 2 submitters: Benign (2). Last evaluated 2020-04-27.

Allele frequency attached by ClinVar (database versions not stated): 1000 Genomes Project 30x 0.01624; 1000 Genomes Project 0.01757; gnomAD exomes 0.04003; ESP Exome Variant Server 0.04183; ExAC 0.04224.
gnomAD v4.1: 77,596 of 1,613,892 alleles (4.8%); highest among the groups gnomAD compares: Non-Finnish European, 5.7%; 2,227 homozygotes.

Submissions (2):

GeneDx
Classification: Benign. Last evaluated: 2020-04-27. Review status: criteria provided, single submitter. Criteria: GeneDx Variant Classification Process June 2021. Collection method: clinical testing. Allele origin: germline. Affected: yes.
Comment: This variant is associated with the following publications: (PMID: 31402633)

Breakthrough Genomics
Classification: Benign. Review status: criteria provided, single submitter. Criteria: ACMG Guidelines, 2015. Collection method: not provided. Allele origin: germline. Inheritance: Autosomal recessive inheritance. Affected: yes.

NM_016519.6(AMBN):c.1061T>C (p.Leu354Pro)

Gene: AMBN (ameloblastin; plus strand). Cytogenetic location: 4q13.3.
Variant type: single nucleotide variant.
Coding change: c.1061T>C on transcript NM_016519.6 (MANE Select); coding-DNA position 1061, T replaced by C.
Protein change: p.Leu354Pro; replaces leucine 354 with proline.
Molecular consequence: missense variant.
Genome position (GRCh38, 1-based): chr4:70,606,447, T>C. VCF-style: chr4-70606447-T-C. GRCh37 (hg19) VCF-style: chr4-71472164-T-C.
Other names: short protein forms L354P.
Identifiers: ClinVar variation 1275989 (VCV001275989.2), dbSNP rs72654387, ClinGen allele CA2951631.